The following is an entry in ClinVar:

ClinVar aggregate classification (germline): Benign. Review status: reviewed by expert panel (3 of 4 stars). 9 submissions from 8 submitters: Benign (1). 8 of the submissions do not count toward it. Last evaluated 2024-04-22.

Conditions:
RPE65-related recessive retinopathy. Also called: Recessive RPE65 retinopathy. Identifiers: MedGen CN305526, MONDO:0100368.
Leber congenital amaurosis 2 (LCA2). Also called: AMAUROSIS CONGENITA OF LEBER II; Autosomal Recessive RPE65-Related Retinal Degeneration. Identifiers: Orphanet 65, MedGen C1859844, MONDO:0008765, OMIM 204100. Disease mechanism: loss of function.
Retinitis pigmentosa 20 (RP20). Identifiers: Orphanet 791, MedGen C3151086, MONDO:0013425, OMIM 613794.
Retinitis pigmentosa (RP). Identifiers: Orphanet 791, MedGen C0035334, MeSH D012174, MONDO:0019200, OMIM 268000. Inheritance: Autosomal dominant, autosomal recessive and X linked inheritance.
Leber congenital amaurosis (LCA). Also called: Leber's amaurosis. Identifiers: Orphanet 65, MedGen C0339527, MeSH D057130, MONDO:0018998.

Allele frequency attached by ClinVar (database versions not stated): ExAC 0.00110; 1000 Genomes Project 0.00280; 1000 Genomes Project 30x 0.00297; TOPMed 0.00351; ESP Exome Variant Server 0.00431.
gnomAD v4.1: 980 of 1,614,070 alleles (0.061%); highest among the groups gnomAD compares: African/African-American, 1.1%; 5 homozygotes.

Submissions (9):

ClinGen Leber Congenital Amaurosis/early Onset Retinal Dystrophy Variant Curation Expert Panel, ClinGen
Classification: Benign for RPE65-related recessive retinopathy. Last evaluated: 2024-04-22. Review status: reviewed by expert panel. Criteria: ClinGen LCAeoRD ACMG Specifications RPE65 V1.0.0. Collection method: curation. Allele origin: germline. Inheritance: Autosomal recessive inheritance.
Comment: NM_000329.3(RPE65):c.432C>T (p.Tyr144=) is a synonymous variant located in exon 5. This variant is present in gnomAD v.4.0.0 at a GrpMax allele frequency of 0.01115, with 852 alleles/75,028 total alleles in the African/African-American population, which is higher than the ClinGen LCA / eoRD VCEP BA1 threshold of >0.008 (BA1). Additionally, there are 5 homozygotes in this population in gnomAD. The splicing impact predictor SpliceAI gives a delta score of 0.15 for acceptor gain, which is above the ClinGen LCA / eoRD VCEP threshold of <0.1, so BP4 and BP7 are not met. In summary, this variant meets the criteria to be classified as benign for RPE65-related recessive retinopathy based on the ACMG/AMP criteria applied, as specified by the ClinGen LCA / eoRD VCEP: BA1. (VCEP specifications version 1.0.0; date of approval 09/21/2023).

Labcorp Genetics (formerly Invitae), Labcorp
Classification: Benign for Leber congenital amaurosis 2; Retinitis pigmentosa 20. Last evaluated: 2026-01-31. Review status: criteria provided, single submitter. Criteria: Invitae Variant Classification Sherloc (09022015). Collection method: clinical testing. Allele origin: germline. Not counted in ClinVar's aggregate classification.

Blueprint Genetics
Classification: Likely benign. Last evaluated: 2024-11-13. Review status: criteria provided, single submitter. Criteria: ACMG Guidelines, 2015. Collection method: clinical testing. Allele origin: germline. Not counted in ClinVar's aggregate classification.

CeGaT Center for Human Genetics Tuebingen
Classification: Benign. Last evaluated: 2024-03-01. Review status: criteria provided, single submitter. Criteria: CeGaT Center For Human Genetics Tuebingen Variant Classification Criteria Version 2. Collection method: clinical testing. Allele origin: germline. Affected: yes. Observed: 3 variant alleles. Not counted in ClinVar's aggregate classification.
Comment: RPE65: BP4, BP7, BS1, BS2

Illumina Laboratory Services, Illumina
Classification: Uncertain significance for Retinitis pigmentosa. Last evaluated: 2017-04-27. Review status: criteria provided, single submitter. Criteria: ICSL Variant Classification Criteria 13 December 2019. Collection method: clinical testing. Allele origin: germline. Not counted in ClinVar's aggregate classification.
Comment: This variant was observed as part of a predisposition screen in an ostensibly healthy population. A literature search was performed for the gene, cDNA change, and amino acid change (where applicable). Publications were found based on this search. However, the evidence from the literature, in combination with allele frequency data from public databases where available, was not sufficient to rule this variant in or out of causing disease. Therefore, this variant is classified as a variant of unknown significance.

Illumina Laboratory Services, Illumina
Classification: Uncertain significance for Leber congenital amaurosis 2. Last evaluated: 2017-04-27. Review status: criteria provided, single submitter. Criteria: ICSL Variant Classification Criteria 13 December 2019. Collection method: clinical testing. Allele origin: germline. Not counted in ClinVar's aggregate classification.
Comment: the same text as in the submission from Illumina Laboratory Services, Illumina above.

GeneDx
Classification: Benign. Last evaluated: 2015-03-03. Review status: criteria provided, single submitter. Criteria: GeneDx Variant Classification Process June 2021. Collection method: clinical testing. Allele origin: germline. Affected: yes. Not counted in ClinVar's aggregate classification.

Natera, Inc.
Classification: Benign for Leber congenital amaurosis. Last evaluated: 2020-04-30. Review status: no assertion criteria provided. Collection method: clinical testing. Allele origin: germline. Not counted in ClinVar's aggregate classification.

Retina International
No classification provided. Review status: no classification provided. Collection method: not provided. Allele origin: not provided. Not counted in ClinVar's aggregate classification.

Literature cited by the submitters: PubMed 9501220 (cited by Illumina Laboratory Services, Illumina).

NM_000329.3(RPE65):c.432C>T (p.Tyr144=)

Gene: RPE65 (retinoid isomerohydrolase RPE65; minus strand). Cytogenetic location: 1p31.3.
Variant type: single nucleotide variant.
Coding change: c.432C>T on transcript NM_000329.3 (MANE Select); coding-DNA position 432, C replaced by T.
Protein change: p.Tyr144=; no amino-acid change (tyrosine 144 retained).
Molecular consequence: synonymous variant.
Genome position (GRCh38, 1-based): chr1:68,444,594, G>A on the plus strand (C>T on the coding strand, the complement: RPE65 is on the minus strand). VCF-style: chr1-68444594-G-A. GRCh37 (hg19) VCF-style: chr1-68910277-G-A.
Other names: NM_000329.3(RPE65):c.432C>T; p.Tyr144=.
Identifiers: ClinVar variation 98869 (VCV000098869.45), dbSNP rs56021047, ClinGen allele CA226551.